The following is an entry in ClinVar:

ClinVar aggregate classification (germline): Uncertain significance (1 of 4 stars; one submission).

Allele frequency attached by ClinVar (database versions not stated): gnomAD exomes below 0.00001; gnomAD 0.00001.
gnomAD v4.1: 2 of 1,613,844 alleles (0.00012%); highest among the groups gnomAD compares: Admixed American, 0.0033%; no homozygotes.

Submission:

Ambry Genetics
Classification: Uncertain significance. Last evaluated: 2024-02-20. Review status: criteria provided, single submitter. Criteria: Ambry Variant Classification Scheme 2023. Collection method: clinical testing. Allele origin: germline.
Comment: The p.L720V variant (also known as c.2158C>G), located in coding exon 18 of the RAD54L gene, results from a C to G substitution at nucleotide position 2158. The leucine at codon 720 is replaced by valine, an amino acid with highly similar properties. This amino acid position is conserved. In addition, the in silico prediction for this alteration is inconclusive. Since supporting evidence is limited at this time, the clinical significance of this alteration remains unclear.

NM_003579.4(RAD54L):c.2158C>G (p.Leu720Val)

Genes: LRRC41 (leucine rich repeat containing 41; minus strand), RAD54L (RAD54 like; plus strand). Cytogenetic location: 1p34.1.
Variant type: single nucleotide variant.
Coding change: c.2158C>G on transcript NM_003579.4 (MANE Select); coding-DNA position 2158, C replaced by G.
Protein change: p.Leu720Val; replaces leucine 720 with valine.
Molecular consequence: missense variant. On other transcripts: 3 prime UTR variant (1).
Genome position (GRCh38, 1-based): chr1:46,278,196, C>G. VCF-style: chr1-46278196-C-G. GRCh37 (hg19) VCF-style: chr1-46743868-C-G.
Other names: c.*669G>C (NM_006369.5); c.2158C>G, p.Leu720Val (NM_001142548.2); c.1618C>G, p.Leu540Val (NM_001370766.1); short protein forms L540V, L720V.
Identifiers: ClinVar variation 1786842 (VCV001786842.2), dbSNP rs1241123511, ClinGen allele CA340191357.